The following is an entry in ClinVar:

ClinVar aggregate classification (germline): Likely pathogenic (1 of 4 stars; one submission).

Submission:

Labcorp Genetics (formerly Invitae), Labcorp
Classification: Likely pathogenic. Last evaluated: 2023-12-24. Review status: criteria provided, single submitter. Criteria: Invitae Variant Classification Sherloc (09022015). Collection method: clinical testing. Allele origin: germline.
Comment: This sequence change affects a donor splice site in intron 9 of the COL17A1 gene. It is expected to disrupt RNA splicing. Variants that disrupt the donor or acceptor splice site typically lead to a loss of protein function (PMID: 16199547), and loss-of-function variants in COL17A1 are known to be pathogenic (PMID: 16473856, 17344927, 20301304, 21357940, 24319098). This variant is not present in population databases (gnomAD no frequency). This variant has not been reported in the literature in individuals affected with COL17A1-related conditions. Algorithms developed to predict the effect of sequence changes on RNA splicing suggest that this variant may disrupt the consensus splice site. In summary, the currently available evidence indicates that the variant is pathogenic, but additional data are needed to prove that conclusively. Therefore, this variant has been classified as Likely Pathogenic.

Literature cited by the submitters: PubMed 16199547; PubMed 16473856; PubMed 17344927; PubMed 20301304; PubMed 21357940; PubMed 24319098.

NM_000494.4(COL17A1):c.607+1_607+7del

Gene: COL17A1 (collagen type XVII alpha 1 chain; minus strand). Cytogenetic location: 10q25.1.
Variant type: Deletion.
Coding change: c.607+1_607+7del on transcript NM_000494.4 (MANE Select); the canonical splice donor site of the intron after coding-DNA position 607 through 7 bases into the intron after coding-DNA position 607, 7 bases deleted (GTAAGTC; older notation c.607+1_607+7delGTAAGTC).
Molecular consequence: splice donor variant.
Genome position (GRCh38, 1-based): chr10:104,070,419-104,070,425, GACTTAC deleted on the plus strand (GTAAGTC on the coding strand, the reverse complement: COL17A1 is on the minus strand). VCF-style (leftmost placement, unchanged base first): chr10-104070418-AGACTTAC-A. GRCh37 (hg19) VCF-style: chr10-105830176-AGACTTAC-A.
Identifiers: ClinVar variation 2705225 (VCV002705225.3), dbSNP rs2493375084, ClinGen allele CA2697558778.